The following is an entry in ClinVar:

NM_001363711.2(DUOX2):c.3689C>T (p.Ala1230Val)

Gene: DUOX2 (dual oxidase 2; minus strand). Cytogenetic location: 15q21.1.
Variant type: single nucleotide variant.
Coding change: c.3689C>T on transcript NM_001363711.2 (MANE Select); coding-DNA position 3689, C replaced by T.
Protein change: p.Ala1230Val; replaces alanine 1230 with valine.
Molecular consequence: missense variant.
Genome position (GRCh38, 1-based): chr15:45,097,618, G>A on the plus strand (C>T on the coding strand, the complement: DUOX2 is on the minus strand). VCF-style: chr15-45097618-G-A. GRCh37 (hg19) VCF-style: chr15-45389816-G-A.
Other names: c.3689C>T, p.Ala1230Val (NM_014080.5); short protein forms A1230V.
Identifiers: ClinVar variation 316146 (VCV000316146.6), dbSNP rs557220354, ClinGen allele CA7537772.

ClinVar aggregate classification (germline): Uncertain significance. Review status: criteria provided, multiple submitters, no conflicts (2 of 4 stars). 2 submissions from 2 submitters: Uncertain significance (2). Last evaluated 2024-06-03.

Conditions:
Thyroid dyshormonogenesis 6 (TDH6). Also called: THYROID HORMONOGENESIS, GENETIC DEFECT IN, 6; Genetic transient congenital hypothyroidism; HYPOTHYROIDISM, CONGENITAL, DUE TO DYSHORMONOGENESIS, 6. Identifiers: Orphanet 226316, Orphanet 95716, MedGen C1846632, MONDO:0011792, OMIM 607200.

Allele frequency attached by ClinVar (database versions not stated): gnomAD 0.00001 and 0.00002; gnomAD exomes 0.00001 and 0.00003; TOPMed 0.00001; ExAC 0.00002; 1000 Genomes Project 30x 0.00016; 1000 Genomes Project 0.00020.

Submissions (2):

Women's Health and Genetics/Laboratory Corporation of America, LabCorp
Classification: Uncertain significance. Last evaluated: 2024-06-03. Review status: criteria provided, single submitter. Criteria: LabCorp Variant Classification Summary - May 2015. Collection method: clinical testing. Allele origin: germline.
Comment: Variant summary: DUOX2 c.3689C>T (p.Ala1230Val) results in a non-conservative amino acid change located in the Ferric reductase transmembrane component-like domain (IPR013130) of the encoded protein sequence. Four of five in-silico tools predict a benign effect of the variant on protein function. The variant allele was found at a frequency of 2.8e-05 in 251352 control chromosomes (gnomAD). The available data on variant occurrences in the general population are insufficient to allow any conclusion about variant significance. c.3689C>T has been reported in the literature in an individual affected with Hypothyroidism without strong evidence of causality (Zhang_2023). This report does not provide unequivocal conclusions about association of the variant with Thyroid Dyshormonogenesis 6. To our knowledge, no experimental evidence demonstrating an impact on protein function has been reported. The following publication has been ascertained in the context of this evaluation (PMID: 37390946). ClinVar contains an entry for this variant (Variation ID: 316146). Based on the evidence outlined above, the variant was classified as uncertain significance.

Illumina Laboratory Services, Illumina
Classification: Uncertain significance for Thyroid dyshormonogenesis 6. Last evaluated: 2018-01-12. Review status: criteria provided, single submitter. Criteria: ICSL Variant Classification Criteria 13 December 2019. Collection method: clinical testing. Allele origin: germline.

Literature cited by the submitters: PubMed 37390946 (cited by Women's Health and Genetics/Laboratory Corporation of America, LabCorp).